The following is an entry in ClinVar:

ClinVar aggregate classification (germline): Uncertain significance (1 of 4 stars; one submission).

Allele frequency attached by ClinVar (database versions not stated): ExAC 0.00001; gnomAD 0.00001; gnomAD exomes 0.00001; TOPMed 0.00001.
gnomAD v4.1: 9 of 1,608,226 alleles (0.00056%); highest among the groups gnomAD compares: Non-Finnish European, 0.00076%; no homozygotes.

Submission:

Labcorp Genetics (formerly Invitae), Labcorp
Classification: Uncertain significance. Last evaluated: 2023-07-24. Review status: criteria provided, single submitter. Criteria: Invitae Variant Classification Sherloc (09022015). Collection method: clinical testing. Allele origin: germline.
Comment: This sequence change replaces alanine, which is neutral and non-polar, with serine, which is neutral and polar, at codon 2048 of the KMT2B protein (p.Ala2048Ser). The frequency data for this variant in the population databases is considered unreliable, as metrics indicate poor data quality at this position in the gnomAD database. This variant has not been reported in the literature in individuals affected with KMT2B-related conditions. Advanced modeling of protein sequence and biophysical properties (such as structural, functional, and spatial information, amino acid conservation, physicochemical variation, residue mobility, and thermodynamic stability) performed at Invitae indicates that this missense variant is not expected to disrupt KMT2B protein function. In summary, the available evidence is currently insufficient to determine the role of this variant in disease. Therefore, it has been classified as a Variant of Uncertain Significance.

NM_014727.3(KMT2B):c.6142G>T (p.Ala2048Ser)

Gene: KMT2B (lysine methyltransferase 2B; plus strand). Cytogenetic location: 19q13.12.
Variant type: single nucleotide variant.
Coding change: c.6142G>T on transcript NM_014727.3 (MANE Select); coding-DNA position 6142, G replaced by T.
Protein change: p.Ala2048Ser; replaces alanine 2048 with serine.
Molecular consequence: missense variant.
Genome position (GRCh38, 1-based): chr19:35,732,691, G>T. VCF-style: chr19-35732691-G-T. GRCh37 (hg19) VCF-style: chr19-36223592-G-T.
Other names: short protein forms A2048S.
Identifiers: ClinVar variation 3020979 (VCV003020979.3), dbSNP rs755243130, ClinGen allele CA9385613.